The following is an entry in ClinVar:

NM_000540.3(RYR1):c.2690A>G (p.Asp897Gly)

Gene: RYR1 (ryanodine receptor 1; plus strand). Cytogenetic location: 19q13.2.
Variant type: single nucleotide variant.
Coding change: c.2690A>G on transcript NM_000540.3 (MANE Select); coding-DNA position 2690, A replaced by G.
Protein change: p.Asp897Gly; replaces aspartic acid 897 with glycine.
Molecular consequence: missense variant.
Genome position (GRCh38, 1-based): chr19:38,463,754, A>G. VCF-style: chr19-38463754-A-G. GRCh37 (hg19) VCF-style: chr19-38954394-A-G.
Other names: c.2690A>G, p.Asp897Gly (NM_001042723.2); short protein forms D897G.
Identifiers: ClinVar variation 3387672 (VCV003387672.1).

ClinVar aggregate classification (germline): Uncertain significance (1 of 4 stars; one submission).

Conditions:
Malignant hyperthermia, susceptibility to, 1 (MHS1). Also called: Anesthesia related hyperthermia; Malignant hyperpyrexia; Fulminating hyperpyrexia; Pharmacogenic myopathy; RYR1-Related Malignant Hyperthermia Susceptibility; Malignant hyperthermia suceptibility 1. Identifiers: Orphanet 423, MedGen C2930980, MONDO:0007783, OMIM 145600.

Submission:

All of Us Research Program, National Institutes of Health
Classification: Uncertain significance for Malignant hyperthermia, susceptibility to, 1. Last evaluated: 2024-05-30. Review status: criteria provided, single submitter. Criteria: ACMG Guidelines, 2015. Collection method: clinical testing. Allele origin: germline. Inheritance: Autosomal dominant inheritance. Observed: 1 variant allele, 1 heterozygote.
Comment: This missense variant replaces aspartic acid with glycine at codon 897 of the RYR1 protein. Computational prediction suggests that this variant may have deleterious impact on protein structure and function (internally defined REVEL score threshold >= 0.7, PMID: 27666373). To our knowledge, functional studies have not been reported for this variant. This variant has not been reported in individuals affected with RYR1-related disorders in the literature. This variant has not been identified in the general population by the Genome Aggregation Database (gnomAD). The available evidence is insufficient to determine the role of this variant in disease conclusively. Therefore, this variant is classified as a Variant of Uncertain Significance.

This study involves interpretation of variants in research participants for the purpose of population health screening. Participant phenotype was not available at the time of variant classification. Additional details can be found in publication PMID: 35346344, PMCID: PMC8962531